The following is an entry in ClinVar:

ClinVar aggregate classification (germline): Likely benign (1 of 4 stars; one submission).

Submission:

CeGaT Center for Human Genetics Tuebingen
Classification: Likely benign. Last evaluated: 2024-08-01. Review status: criteria provided, single submitter. Criteria: CeGaT Center For Human Genetics Tuebingen Variant Classification Criteria Version 2. Collection method: clinical testing. Allele origin: germline. Affected: yes. Observed: 1 variant allele.
Comment: ARID1B: BS2

NM_001374828.1(ARID1B):c.43C>G (p.Arg15Gly)

Genes: ARID1B (AT-rich interaction domain 1B; plus strand), LOC115308161 (uncharacterized LOC115308161; minus strand). Cytogenetic location: 6q25.3.
Variant type: single nucleotide variant.
Coding change: c.43C>G on transcript NM_001374828.1 (MANE Select); coding-DNA position 43, C replaced by G.
Protein change: p.Arg15Gly; replaces arginine 15 with glycine.
Molecular consequence: missense variant.
Genome position (GRCh38, 1-based): chr6:156,777,723, C>G. VCF-style: chr6-156777723-C-G. GRCh37 (hg19) VCF-style: chr6-157098857-C-G.
Other names: c.43C>G, p.Arg15Gly (NM_017519.3, NM_001371656.1, NM_001374820.1); short protein forms R15G.
Identifiers: ClinVar variation 3341877 (VCV003341877.16).